The following is an entry in ClinVar:

ClinVar aggregate classification (germline): Uncertain significance (1 of 4 stars; one submission).

Conditions:
DiGeorge syndrome. Also called: THIRD AND FOURTH PHARYNGEAL POUCH SYNDROME; Catch22. Identifiers: Orphanet 567, MedGen C0012236, MONDO:0008564, OMIM 188400.

Submission:

Labcorp Genetics (formerly Invitae), Labcorp
Classification: Uncertain significance for DiGeorge syndrome. Last evaluated: 2023-07-16. Review status: criteria provided, single submitter. Criteria: Invitae Variant Classification Sherloc (09022015). Collection method: clinical testing. Allele origin: germline.
Comment: In summary, the available evidence is currently insufficient to determine the role of this variant in disease. Therefore, it has been classified as a Variant of Uncertain Significance. Advanced modeling of protein sequence and biophysical properties (such as structural, functional, and spatial information, amino acid conservation, physicochemical variation, residue mobility, and thermodynamic stability) performed at Invitae indicates that this missense variant is not expected to disrupt TBX1 protein function. This variant has not been reported in the literature in individuals affected with TBX1-related conditions. This variant is not present in population databases (gnomAD no frequency). This sequence change replaces methionine, which is neutral and non-polar, with leucine, which is neutral and non-polar, at codon 116 of the TBX1 protein (p.Met116Leu).

NM_001379200.1(TBX1):c.373A>T (p.Met125Leu)

Gene: TBX1 (T-box transcription factor 1; plus strand). Cytogenetic location: 22q11.21.
Variant type: single nucleotide variant.
Coding change: c.373A>T on transcript NM_001379200.1 (MANE Select); coding-DNA position 373, A replaced by T.
Protein change: p.Met125Leu; replaces methionine 125 with leucine.
Molecular consequence: missense variant.
Genome position (GRCh38, 1-based): chr22:19,761,216, A>T. VCF-style: chr22-19761216-A-T. GRCh37 (hg19) VCF-style: chr22-19748739-A-T.
Other names: c.346A>T, p.Met116Leu (NM_005992.1, NM_080646.2, NM_080647.1); short protein forms M125L, M116L.
Identifiers: ClinVar variation 2740058 (VCV002740058.3), dbSNP rs2517842927, ClinGen allele CA410681719.
Genomic context (GRCh38, chr22:19,761,216, plus strand): 5'-GCAGCCAAGGCGCCGGTGAAGAAGAACGCGAAGGTGGCCGGTGTGAGCGTGCAGCTAGAG[A>T]TGAAGGCGCTGTGGGACGAGTTCAACCAGCTGGGCACCGAGATGATCGTCACCAAGGCCG-3'
Protein context (NP_001366129.1, residues 115-135): KVAGVSVQLE[Met125Leu]KALWDEFNQL